The following is an entry in ClinVar:

NM_000531.6(OTC):c.576C>G (p.Ser192Arg)

Gene: OTC (ornithine transcarbamylase; plus strand). Cytogenetic location: Xp11.4.
Variant type: single nucleotide variant.
Coding change: c.576C>G on transcript NM_000531.6 (MANE Select); coding-DNA position 576, C replaced by G.
Protein change: p.Ser192Arg; replaces serine 192 with arginine.
Molecular consequence: missense variant.
Genome position (GRCh38, 1-based): chrX:38,403,653, C>G. VCF-style: chrX-38403653-C-G. GRCh37 (hg19) VCF-style: chrX-38262906-C-G.
Other names: short protein forms S192R.
Identifiers: ClinVar variation 97251 (VCV000097251.2), dbSNP rs72556298, ClinGen allele CA224683.

ClinVar aggregate classification (germline): Pathogenic (0 of 4 stars; one submission).

Submission:

GenMed Metabolism Lab
Classification: Pathogenic. Review status: no assertion criteria provided. Collection method: not provided. Allele origin: unknown.
Comment: p.Ser192Arg, Neonatal
ClinVar note: Converted during submission from pathogenic to Pathogenic.